The following is an entry in ClinVar:

NM_001267550.2(TTN):c.77147_77150del (p.Val25715_Ser25716insTer)

Genes: TTN (titin; minus strand), TTN-AS1 (TTN antisense RNA 1; plus strand). Cytogenetic location: 2q31.2.
Variant type: Microsatellite.
Coding change: c.77147_77150del on transcript NM_001267550.2 (MANE Select); coding-DNA positions 77147 to 77150, 4 bases deleted (CTCT; older notation c.77147_77150delCTCT).
Protein change: p.Val25715_Ser25716insTer.
Molecular consequence: nonsense.
Genome position (GRCh38, 1-based): chr2:178,568,982-178,568,985, AGAG deleted on the plus strand (CTCT on the coding strand, the reverse complement: TTN is on the minus strand); deleting any 4 consecutive bases within chr2:178,568,982-178,568,988 gives the same sequence; the c. name uses the placement nearest the transcript's 3' end. VCF-style (leftmost placement, unchanged base first): chr2-178568981-CAGAG-C. GRCh37 (hg19) VCF-style: chr2-179433708-CAGAG-C.
Other names: c.49952_49955delCTCT (NM_003319.4); c.77147_77150delCTCT (NM_001267550.2); c.72224_72227del, p.Val24074_Ser24075insTer (NM_001256850.1); c.49952_49955del, p.Val16650_Ser16651insTer (NM_003319.4); c.69443_69446del, p.Val23147_Ser23148insTer (NM_133378.4); c.50327_50330del, p.Val16775_Ser16776insTer (NM_133432.3); c.50528_50531del, p.Val16842_Ser16843insTer (NM_133437.4).
Identifiers: ClinVar variation 466657 (VCV000466657.12), dbSNP rs1466647934, ClinGen allele CA658657139.

ClinVar aggregate classification (germline): Likely pathogenic. Review status: criteria provided, multiple submitters, no conflicts (2 of 4 stars). 3 submissions from 2 submitters: Likely pathogenic (3). Last evaluated 2025-11-21.

Conditions:
Dilated cardiomyopathy 1G (CMD1G). Identifiers: Orphanet 154, MedGen C1858763, MONDO:0011400, OMIM 604145.
Autosomal recessive limb-girdle muscular dystrophy type 2J (LGMDR10). Also called: Limb-girdle muscular dystrophy, type 2J; MUSCULAR DYSTROPHY, LIMB-GIRDLE, AUTOSOMAL RECESSIVE 10. Identifiers: Orphanet 140922, MedGen C1837342, MONDO:0012127, OMIM 608807.
Cardiovascular phenotype. Identifiers: MedGen CN230736.

Submissions (3):

Labcorp Genetics (formerly Invitae), Labcorp
Classification: Likely pathogenic for Dilated cardiomyopathy 1G; Autosomal recessive limb-girdle muscular dystrophy type 2J. Last evaluated: 2025-11-21. Review status: criteria provided, single submitter. Criteria: Invitae Variant Classification Sherloc (09022015). Collection method: clinical testing. Allele origin: germline.
Comment: This sequence change creates a premature translational stop signal (p.Ser25716*) in the TTN gene. While this is not anticipated to result in nonsense mediated decay, it is expected to create a truncated TTN protein. This variant is not present in population databases (gnomAD no frequency). This premature translational stop signal has been observed in individual(s) with dilated cardiomyopathy (internal data). ClinVar contains an entry for this variant (Variation ID: 466657). This variant is located in the A band of TTN (PMID: 25589632). Truncating variants in this region are significantly overrepresented in patients affected with dilated cardiomyopathy (PMID: 25589632). Truncating variants in this region have also been reported in individuals affected with autosomal recessive centronuclear myopathy (PMID: 23975875). In summary, the currently available evidence indicates that the variant is pathogenic, but additional data are needed to prove that conclusively. Therefore, this variant has been classified as Likely Pathogenic.

Ambry Genetics
Classification: Likely pathogenic for Cardiovascular phenotype. Last evaluated: 2025-09-04. Review status: criteria provided, single submitter. Criteria: Ambry Variant Classification Scheme 2023. Collection method: clinical testing. Allele origin: germline.
Comment: The c.49952_49955delCTCT variant, located in coding exon 153 of the TTN gene, results from a deletion of 4 nucleotides at nucleotide positions 49952 to 49955, causing a translational frameshift with a predicted alternate stop codon (p.S16651*). This exon is located in the A-band region of the N2-B isoform of the titin protein and is constitutively expressed in TTN transcripts (percent spliced in or PSI 100%). This variant was reported in individual(s) with features consistent with dilated cardiomyopathy (Ambry internal data). This variant is considered to be rare based on population cohorts in the Genome Aggregation Database (gnomAD). This variant is expected to result in loss of function by premature protein truncation or nonsense-mediated mRNA decay. While truncating variants in TTN are present in 1-3% of the general population, truncating variants in the A-band are the most common cause of dilated cardiomyopathy (Herman DS et al. N. Engl. J. Med., 2012 Feb;366:619-28; Roberts AM et al. Sci Transl Med, 2015 Jan;7:270ra6). TTN truncating variants encoded in constitutive exons (PSI >90%) have been found to be significantly associated with DCM regardless of their position in titin (Schafer S et al. Nat. Genet., 2017 01;49:46-53; Akhtar MM et al. Circ Heart Fail, 2020 Oct;13:e006832; Massier M et al. Clin Genet, 2025 Jan). Based on the majority of available evidence to date, this variant is likely to be pathogenic.

Labcorp Genetics (formerly Invitae), Labcorp
Classification: Likely pathogenic for Dilated cardiomyopathy 1G. Last evaluated: 2017-05-22. Review status: criteria provided, single submitter. Criteria: Invitae Variant Classification Sherloc (09022015). Collection method: clinical testing. Allele origin: germline.
Comment: This sequence change deletes 4 nucleotides from exon 326 of the TTN mRNA (c.77147_77150delCTCT), causing a frameshift at codon 25716. This creates a premature translational stop signal (p.Ser25716*) and is expected to result in an absent or disrupted protein product. This variant is found in the A-band of this gene. While this particular variant has not been reported in the literature, truncating variants in the A-band of TTN are significantly overrepresented in patients with dilated cardiomyopathy and are considered to be likely pathogenic for the disease (PMID: 25589632). For these reasons, this variant has been classified as Likely Pathogenic.

Literature cited by the submitters: PubMed 25589632 (cited by Labcorp Genetics (formerly Invitae), Labcorp); PubMed 23975875 (cited by Labcorp Genetics (formerly Invitae), Labcorp).